The following is an entry in ClinVar:

ClinVar aggregate classification (germline): Uncertain significance (1 of 4 stars; one submission).

Conditions:
Neuronopathy, distal hereditary motor, autosomal recessive 4. Also called: NEUROPATHY, DISTAL HEREDITARY MOTOR, AUTOSOMAL RECESSIVE 4; Autosomal recessive lower motor neuron disease with childhood onset. Identifiers: Orphanet 206580, MedGen C1970211, MONDO:0012608, OMIM 611067.
Charcot-Marie-Tooth disease recessive intermediate C. Also called: CHARCOT-MARIE-TOOTH NEUROPATHY, RECESSIVE INTERMEDIATE C. Identifiers: Orphanet 369867, MedGen C3809309, MONDO:0014154, OMIM 615376.

Allele frequency attached by ClinVar (database versions not stated): ExAC 0.00001.
gnomAD v4.1: 1 of 1,613,288 alleles (0.000062%); highest among the groups gnomAD compares: Non-Finnish European, 0.000085%; no homozygotes.

Submission:

Labcorp Genetics (formerly Invitae), Labcorp
Classification: Uncertain significance for Neuronopathy, distal hereditary motor, autosomal recessive 4; Charcot-Marie-Tooth disease recessive intermediate C. Last evaluated: 2022-07-27. Review status: criteria provided, single submitter. Criteria: Invitae Variant Classification Sherloc (09022015). Collection method: clinical testing. Allele origin: germline.
Comment: In summary, the available evidence is currently insufficient to determine the role of this variant in disease. Therefore, it has been classified as a Variant of Uncertain Significance. Algorithms developed to predict the effect of missense changes on protein structure and function are either unavailable or do not agree on the potential impact of this missense change (SIFT: "Tolerated"; PolyPhen-2: "Possibly Damaging"; Align-GVGD: "Class C0"). This variant has not been reported in the literature in individuals affected with PLEKHG5-related conditions. This variant is present in population databases (rs770387842, gnomAD 0.0009%). This sequence change replaces alanine, which is neutral and non-polar, with threonine, which is neutral and polar, at codon 19 of the PLEKHG5 protein (p.Ala19Thr).

NM_020631.6(PLEKHG5):c.55G>A (p.Ala19Thr)

Gene: PLEKHG5 (pleckstrin homology and RhoGEF domain containing G5; minus strand). Cytogenetic location: 1p36.31.
Variant type: single nucleotide variant.
Coding change: c.55G>A on transcript NM_020631.6 (MANE Select); coding-DNA position 55, G replaced by A.
Protein change: p.Ala19Thr; replaces alanine 19 with threonine.
Molecular consequence: missense variant.
Genome position (GRCh38, 1-based): chr1:6,476,025, C>T on the plus strand (G>A on the coding strand, the complement: PLEKHG5 is on the minus strand). VCF-style: chr1-6476025-C-T. GRCh37 (hg19) VCF-style: chr1-6536085-C-T.
Other names: c.166G>A, p.Ala56Thr (NM_001042663.3, NM_001265592.2); c.55G>A, p.Ala19Thr (NM_001042664.2, NM_001042665.2, NM_001265594.3 and 1 more transcripts); c.262G>A, p.Ala88Thr (NM_001265593.2); short protein forms A88T, A19T, A56T.
Identifiers: ClinVar variation 2039283 (VCV002039283.4), dbSNP rs770387842, ClinGen allele CA562006.
Genomic context (GRCh38, chr1:6,476,025, plus strand): 5'-CCTCCAAGTCCACTGCGGGGCTGGTGCGCGGCGGGCATGACCGGGTGGACACGTTCCGGG[C>T]CAGCACAGAGCCTTGGGAGAAAGCAGGAGAGGGTTGTGCCTCCCCCGCCCCTCCTTAGCC-3'
Protein context (NP_065682.2, residues 9-29): FDLPPQGSVL[Ala19Thr]RNVSTRSCPP